The following is an entry in ClinVar:

NM_016239.4(MYO15A):c.4032+1G>A

Gene: MYO15A (myosin XVA; plus strand). Cytogenetic location: 17p11.2.
Variant type: single nucleotide variant.
Coding change: c.4032+1G>A on transcript NM_016239.4 (MANE Select); the canonical splice donor site of the intron after coding-DNA position 4032, G replaced by A.
Molecular consequence: splice donor variant.
Genome position (GRCh38, 1-based): chr17:18,127,166, G>A. VCF-style: chr17-18127166-G-A. GRCh37 (hg19) VCF-style: chr17-18030480-G-A.
Identifiers: ClinVar variation 421666 (VCV000421666.2), dbSNP rs1064795282, ClinGen allele CA16620345.
Genomic context (GRCh38, chr17:18,127,166, plus strand): 5'-ACCAAGCTGATTCTGCGCTACCTGGCCGCCATGAACCAGAAACGGGAGGTCATGCAGCAG[G>A]TGAGTCTACCTGTCTCCCCAGGACCCTAGGCTGAACACCCTTTGATAAGCACACCTCATG-3'

ClinVar aggregate classification (germline): Pathogenic (1 of 4 stars; one submission).

gnomAD v4.1: 2 of 1,613,462 alleles (0.00012%); no homozygotes.

Submission:

GeneDx
Classification: Pathogenic. Last evaluated: 2017-03-06. Review status: criteria provided, single submitter. Criteria: GeneDx Variant Classification (06012015). Collection method: clinical testing. Allele origin: germline. Affected: yes.
Comment: The c.4032+1G>A variant in the MYO15A gene has not been reported previously as a pathogenic variant nor as a benign variant, to our knowledge. This splice site variant destroys the canonical splice donor site in intron 7. It is predicted to cause abnormal gene splicing, either leading to an abnormal message that is subject to nonsense-mediated mRNA decay, or to an abnormal protein product if the message is used for protein translation. The c.4032+1G>A variant is not observed in large population cohorts (Lek et al., 2016; 1000 Genomes Consortium et al., 2015; Exome Variant Server). We interpret c.4032+1G>A as a pathogenic variant.